The following is an entry in ClinVar:

ClinVar aggregate classification (germline): Uncertain significance (1 of 4 stars; one submission).

Conditions:
Facioscapulohumeral muscular dystrophy 2 (FSHD2). Also called: MUSCULAR DYSTROPHY, FACIOSCAPULOHUMERAL, TYPE 1B; FACIOSCAPULOHUMERAL MUSCULAR DYSTROPHY 2, DIGENIC; FSHD2, DIGENIC. Identifiers: Orphanet 269, MedGen C1834671, MONDO:0008031, OMIM 158901.

Submission:

Labcorp Genetics (formerly Invitae), Labcorp
Classification: Uncertain significance for Facioscapulohumeral muscular dystrophy 2. Last evaluated: 2024-01-19. Review status: criteria provided, single submitter. Criteria: Invitae Variant Classification Sherloc (09022015). Collection method: clinical testing. Allele origin: germline.
Comment: This sequence change falls in intron 32 of the SMCHD1 gene. It does not directly change the encoded amino acid sequence of the SMCHD1 protein. It affects a nucleotide within the consensus splice site. This variant is not present in population databases (gnomAD no frequency). This variant has not been reported in the literature in individuals affected with SMCHD1-related conditions. Variants that disrupt the consensus splice site are a relatively common cause of aberrant splicing (PMID: 17576681, 9536098). Algorithms developed to predict the effect of sequence changes on RNA splicing suggest that this variant is not likely to affect RNA splicing. In summary, the available evidence is currently insufficient to determine the role of this variant in disease. Therefore, it has been classified as a Variant of Uncertain Significance.

Literature cited by the submitters: PubMed 17576681; PubMed 9536098.

NM_015295.3(SMCHD1):c.4165+3G>A

Gene: SMCHD1 (structural maintenance of chromosomes flexible hinge domain containing 1; plus strand). Cytogenetic location: 18p11.32.
Variant type: single nucleotide variant.
Coding change: c.4165+3G>A on transcript NM_015295.3 (MANE Select); 3 bases into the intron after coding-DNA position 4165, G replaced by A.
Molecular consequence: intron variant.
Genome position (GRCh38, 1-based): chr18:2,750,510, G>A. VCF-style: chr18-2750510-G-A. GRCh37 (hg19) VCF-style: chr18-2750508-G-A.
Identifiers: ClinVar variation 2748780 (VCV002748780.3), dbSNP rs2510121567, ClinGen allele CA2640815539.